The following is an entry in ClinVar:

NM_000260.4(MYO7A):c.3728C>T (p.Pro1243Leu)

Gene: MYO7A (myosin VIIA; plus strand). Cytogenetic location: 11q13.5.
Variant type: single nucleotide variant.
Coding change: c.3728C>T on transcript NM_000260.4 (MANE Select); coding-DNA position 3728, C replaced by T.
Protein change: p.Pro1243Leu; replaces proline 1243 with leucine.
Molecular consequence: missense variant.
Genome position (GRCh38, 1-based): chr11:77,190,117, C>T. VCF-style: chr11-77190117-C-T. GRCh37 (hg19) VCF-style: chr11-76901162-C-T.
Other names: c.3728C>T, p.Pro1243Leu (NM_001127180.2); c.3695C>T, p.Pro1232Leu (NM_001369365.1); short protein forms P1243L, P1232L.
Identifiers: ClinVar variation 418368 (VCV000418368.15), dbSNP rs750358148, ClinGen allele CA6198178.

ClinVar aggregate classification (germline): Pathogenic/Likely pathogenic. Review status: criteria provided, multiple submitters, no conflicts (2 of 4 stars). 7 submissions from 7 submitters: Pathogenic (1); Likely pathogenic (5). 1 of the submissions does not count toward it. Last evaluated 2026-02-20.

Conditions:
Usher syndrome. Also called: Usher Syndromes; Usher's syndrome. Identifiers: Orphanet 886, MedGen CN469326, MeSH D052245, MONDO:0019501. Disease mechanism: loss of function.
MYO7A-related disorder. Also called: MYO7A-related disorders.
Usher syndrome type 1B (USH1B). Also called: Usher syndrome type IB. Identifiers: MedGen C1848638, MONDO:0700087.

Allele frequency attached by ClinVar (database versions not stated): gnomAD 0.00001; TOPMed 0.00002; ExAC 0.00004.
gnomAD v4.1: 18 of 1,572,078 alleles (0.0011%); highest among the groups gnomAD compares: Non-Finnish European, 0.0014%; no homozygotes.

Submissions (7):

Dasa
Classification: Likely pathogenic. Last evaluated: 2026-02-20. Review status: criteria provided, single submitter. Criteria: DASA Assertion Criteria. Collection method: clinical testing. Allele origin: germline.
Comment: NM_000260.4(MYO7A):c.3728C>T (p.Pro1243Leu) is a missense variant that results in the substitution of proline with leucine. The affected residue or protein region has prior evidence supporting clinical relevance. This variant has been recurrently observed in individuals with MYO7A-related disorders (PMID: 40257781; PMID: 33089500). Also, this variant is rare in population databases. Based on the currently available evidence, this variant is classified as likely pathogenic.

GeneDx
Classification: Likely pathogenic. Last evaluated: 2025-09-17. Review status: criteria provided, single submitter. Criteria: GeneDx Variant Classification Process June 2021. Collection method: clinical testing. Allele origin: germline. Affected: yes.
Comment: In silico analysis supports that this missense variant has a deleterious effect on protein structure/function; This variant is associated with the following publications: (PMID: 27160483, 27460420, 28041643, 31479088, 32581362, 32795431, 38219857)

Labcorp Genetics (formerly Invitae), Labcorp
Classification: Pathogenic. Last evaluated: 2025-08-16. Review status: criteria provided, single submitter. Criteria: Invitae Variant Classification Sherloc (09022015). Collection method: clinical testing. Allele origin: germline.
Comment: This sequence change replaces proline, which is neutral and non-polar, with leucine, which is neutral and non-polar, at codon 1243 of the MYO7A protein (p.Pro1243Leu). The frequency data for this variant in the population databases is considered unreliable, as metrics indicate poor data quality at this position in the gnomAD database. This missense change has been observed in individual(s) with autosomal recessive Usher syndrome (PMID: 27160483, 27460420, 28041643). ClinVar contains an entry for this variant (Variation ID: 418368). Invitae Evidence Modeling of protein sequence and biophysical properties (such as structural, functional, and spatial information, amino acid conservation, physicochemical variation, residue mobility, and thermodynamic stability) indicates that this missense variant is expected to disrupt MYO7A protein function with a positive predictive value of 80%. For these reasons, this variant has been classified as Pathogenic.

Natera, Inc.
Classification: Likely pathogenic for Usher syndrome type 1B. Last evaluated: 2025-07-03. Review status: criteria provided, single submitter. Criteria: Natera Variant Classification Schema (03/2026). Collection method: clinical testing. Allele origin: germline.
Comment: The c.3728C>T variant in MYO7A is a missense variant predicted to cause substitution of proline to leucine at amino acid 1243. This variant is rare in the general population with a frequency below the threshold expected for the associated phenotype(s). This variant has been observed in one or more individuals affected with the associated recessive disease, as either homozygous or compound heterozygous with a second variant (PMID: 27160483, 33089500, 32581362). Computational prediction algorithms indicate this variant is likely to affect gene or protein function. Given the available evidence, this variant is classified as Likely Pathogenic.

PreventionGenetics, part of Exact Sciences
Classification: Likely pathogenic for MYO7A-related condition. Last evaluated: 2025-05-14. Review status: criteria provided, single submitter. Criteria: ACMG Guidelines, 2015. Collection method: clinical testing. Allele origin: germline.
Comment: The MYO7A c.3728C>T variant is predicted to result in the amino acid substitution p.Pro1243Leu. This variant has been reported along with a second MYO7A variant in individuals with Usher syndrome and/or retinal disease (Khan et al. 2017. PubMed ID: 27160483; Table S1, Bonnet et al. 2016. PubMed ID: 27460420; Table S1, Lin et al. 2024. PubMed ID: 38219857). This variant is present in 0.010% of alleles in individuals of African descent in gnomAD. This variant is interpreted as likely pathogenic.

Blueprint Genetics
Classification: Likely pathogenic for MYO7A-related disorders. Last evaluated: 2024-08-28. Review status: criteria provided, single submitter. Criteria: ACMG Guidelines, 2015. Collection method: clinical testing. Allele origin: germline. Affected: yes. Observed: 4 variant alleles.

NIHR Bioresource Rare Diseases, University of Cambridge
Classification: Likely pathogenic for Usher syndrome. Last evaluated: 2015-01-01. Review status: no assertion criteria provided. Collection method: research. Allele origin: unknown. Affected: yes. Observed: 1 variant allele. Not counted in ClinVar's aggregate classification.

Literature cited by the submitters: PubMed 40257781 (cited by Dasa); PubMed 33089500 (cited by Dasa and Natera, Inc.); PubMed 27160483 (cited by Labcorp Genetics (formerly Invitae), Labcorp and Natera, Inc.); PubMed 27460420 (cited by Labcorp Genetics (formerly Invitae), Labcorp); PubMed 28041643 (cited by Labcorp Genetics (formerly Invitae), Labcorp and NIHR Bioresource Rare Diseases, University of Cambridge); PubMed 32581362 (cited by Natera, Inc.).